The following is an entry in ClinVar:

ClinVar aggregate classification (germline): Conflicting classifications of pathogenicity. Review status: criteria provided, conflicting classifications (1 of 4 stars). 9 submissions from 7 submitters: Uncertain significance (7); Likely benign (2). Last evaluated 2025-11-12.

Conditions:
Cardiomyopathy (CMYO). Also called: Cardiomyopathies. Identifiers: Orphanet 167848, MedGen C0878544, MONDO:0004994, HP:0001638. Inheritance: Various modes of inheritance.
Arrhythmogenic right ventricular dysplasia 8 (ARVD8). Also called: Arrhythmogenic Right Ventricular Dysplasia/Cardiomyopathy 8; ARRHYTHMOGENIC RIGHT VENTRICULAR DYSPLASIA, FAMILIAL, 8; ARRHYTHMOGENIC RIGHT VENTRICULAR CARDIOMYOPATHY 8. Identifiers: MedGen C1843896, MONDO:0011831, OMIM 607450.
Arrhythmogenic cardiomyopathy with wooly hair and keratoderma. Also called: PALMOPLANTAR KERATODERMA WITH LEFT VENTRICULAR CARDIOMYOPATHY AND WOOLLY HAIR; Arrhythmogenic cardiomyopathy with woolly hair and keratoderma; Carvajal syndrome; Dilated cardiomyopathy with woolly hair and keratoderma. Identifiers: Orphanet 65282, MedGen C1854063, MONDO:0011581, OMIM 605676.
Lethal acantholytic epidermolysis bullosa (EBLA). Identifiers: Orphanet 158687, MedGen C1864826, MONDO:0012323, OMIM 609638.
Woolly hair-skin fragility syndrome (WHSF). Identifiers: Orphanet 293165, MedGen C1843292, MONDO:0957307, OMIM 620415.

Allele frequency attached by ClinVar (database versions not stated): TOPMed below 0.00001; gnomAD exomes 0.00001; gnomAD 0.00003.
gnomAD v4.1: 18 of 1,614,002 alleles (0.0011%); highest among the groups gnomAD compares: Non-Finnish European, 0.001%; no homozygotes.

Submissions (9):

Labcorp Genetics (formerly Invitae), Labcorp
Classification: Likely benign for Arrhythmogenic cardiomyopathy with wooly hair and keratoderma; Arrhythmogenic right ventricular dysplasia 8. Last evaluated: 2025-11-12. Review status: criteria provided, single submitter. Criteria: Invitae Variant Classification Sherloc (09022015). Collection method: clinical testing. Allele origin: germline.

Laboratory of Genetics, Children's Clinical University Hospital Latvia
Classification: Likely benign. Last evaluated: 2025-02-16. Review status: criteria provided, single submitter. Criteria: ACMG Guidelines, 2015. Collection method: clinical testing. Allele origin: germline. Affected: yes.

Color Diagnostics, LLC DBA Color Health
Classification: Uncertain significance for Cardiomyopathy. Last evaluated: 2024-03-21. Review status: criteria provided, single submitter. Criteria: ACMG Guidelines, 2015. Collection method: clinical testing. Allele origin: germline.
Comment: This missense variant replaces valine with alanine at codon 2312 of the DSP protein. Computational prediction suggests that this variant may have deleterious impact on protein structure and function (internally defined REVEL score threshold >= 0.7, PMID: 27666373). To our knowledge, functional studies have not been reported for this variant. This variant has not been reported in individuals affected with DSP-related disorders in the literature. This variant has been identified in 5/31386 chromosomes in the general population by the Genome Aggregation Database (gnomAD). The available evidence is insufficient to determine the role of this variant in disease conclusively. Therefore, this variant is classified as a Variant of Uncertain Significance.

Blueprint Genetics
Classification: Uncertain significance. Last evaluated: 2023-11-24. Review status: criteria provided, single submitter. Criteria: ACMG Guidelines, 2015. Collection method: clinical testing. Allele origin: germline.

All of Us Research Program, National Institutes of Health
Classification: Uncertain significance for Arrhythmogenic cardiomyopathy with wooly hair and keratoderma. Last evaluated: 2023-03-28. Review status: criteria provided, single submitter. Criteria: ACMG Guidelines, 2015. Collection method: clinical testing. Allele origin: germline. Inheritance: Autosomal dominant inheritance. Observed: 1 variant allele, 1 heterozygote.
Comment: This study involves interpretation of variants in research participants for the purpose of population health screening. Participant phenotype was not available at the time of variant classification. Additional details can be found in publication PMID: 35346344, PMCID: PMC8962531

CHEO Genetics Diagnostic Laboratory, Children's Hospital of Eastern Ontario
Classification: Uncertain significance for Cardiomyopathy. Last evaluated: 2021-09-30. Review status: criteria provided, single submitter. Criteria: ACMG Guidelines, 2015. Collection method: clinical testing. Allele origin: germline.

Illumina Laboratory Services, Illumina
Classification: Uncertain significance for Arrhythmogenic cardiomyopathy with wooly hair and keratoderma. Last evaluated: 2018-01-13. Review status: criteria provided, single submitter. Criteria: ICSL Variant Classification Criteria 13 December 2019. Collection method: clinical testing. Allele origin: germline.

Illumina Laboratory Services, Illumina
Classification: Uncertain significance for Arrhythmogenic right ventricular dysplasia 8. Last evaluated: 2018-01-13. Review status: criteria provided, single submitter. Criteria: ICSL Variant Classification Criteria 13 December 2019. Collection method: clinical testing. Allele origin: germline.

Illumina Laboratory Services, Illumina
Classification: Uncertain significance for Lethal acantholytic epidermolysis bullosa. Last evaluated: 2018-01-13. Review status: criteria provided, single submitter. Criteria: ICSL Variant Classification Criteria 13 December 2019. Collection method: clinical testing. Allele origin: germline.

NM_004415.4(DSP):c.6935T>C (p.Val2312Ala)

Gene: DSP (desmoplakin; plus strand). Cytogenetic location: 6p24.3.
Variant type: single nucleotide variant.
Coding change: c.6935T>C on transcript NM_004415.4 (MANE Select); coding-DNA position 6935, T replaced by C.
Protein change: p.Val2312Ala; replaces valine 2312 with alanine.
Molecular consequence: missense variant.
Genome position (GRCh38, 1-based): chr6:7,584,197, T>C. VCF-style: chr6-7584197-T-C. GRCh37 (hg19) VCF-style: chr6-7584430-T-C.
Other names: c.6935T>C (LRG_423t1); c.5138T>C, p.Val1713Ala (NM_001008844.3); c.5606T>C, p.Val1869Ala (NM_001319034.2); short protein forms V2312A, V1869A, V1713A.
Identifiers: ClinVar variation 357962 (VCV000357962.19), dbSNP rs886061748, ClinGen allele CA10627574.